The following is an entry in ClinVar:

NM_004369.4(COL6A3):c.4570G>T (p.Ala1524Ser)

Gene: COL6A3 (collagen type VI alpha 3 chain; minus strand). Cytogenetic location: 2q37.3.
Variant type: single nucleotide variant.
Coding change: c.4570G>T on transcript NM_004369.4 (MANE Select); coding-DNA position 4570, G replaced by T.
Protein change: p.Ala1524Ser; replaces alanine 1524 with serine.
Molecular consequence: missense variant.
Genome position (GRCh38, 1-based): chr2:237,368,893, C>A on the plus strand (G>T on the coding strand, the complement: COL6A3 is on the minus strand). VCF-style: chr2-237368893-C-A. GRCh37 (hg19) VCF-style: chr2-238277536-C-A.
Other names: c.3952G>T, p.Ala1318Ser (NM_057167.4); c.2749G>T, p.Ala917Ser (NM_057166.5); short protein forms A1524S, A1318S, A917S.
Identifiers: ClinVar variation 3671998 (VCV003671998.2).

ClinVar aggregate classification (germline): Uncertain significance (1 of 4 stars; one submission).

Conditions:
Bethlem myopathy 1A. Also called: MYOPATHY, BENIGN CONGENITAL, WITH CONTRACTURES; Bethlem myopathy 1; Bethlem Muscular Dystrophy. Identifiers: Orphanet 610, MedGen CN029274, MONDO:0024530, OMIM 158810.

Submission:

Labcorp Genetics (formerly Invitae), Labcorp
Classification: Uncertain significance for Bethlem myopathy 1A. Last evaluated: 2025-08-11. Review status: criteria provided, single submitter. Criteria: Invitae Variant Classification Sherloc (09022015). Collection method: clinical testing. Allele origin: germline.
Comment: This sequence change replaces alanine, which is neutral and non-polar, with serine, which is neutral and polar, at codon 1524 of the COL6A3 protein (p.Ala1524Ser). This variant is not present in population databases (gnomAD no frequency). This variant has not been reported in the literature in individuals affected with COL6A3-related conditions. ClinVar contains an entry for this variant (Variation ID: 3671998). Invitae Evidence Modeling of protein sequence and biophysical properties (such as structural, functional, and spatial information, amino acid conservation, physicochemical variation, residue mobility, and thermodynamic stability) indicates that this missense variant is not expected to disrupt COL6A3 protein function with a negative predictive value of 80%. In summary, the available evidence is currently insufficient to determine the role of this variant in disease. Therefore, it has been classified as a Variant of Uncertain Significance.